The following is an entry in ClinVar:

NM_001277115.2(DNAH11):c.5692G>A (p.Gly1898Arg)

Gene: DNAH11 (dynein axonemal heavy chain 11; plus strand). Cytogenetic location: 7p15.3.
Variant type: single nucleotide variant.
Coding change: c.5692G>A on transcript NM_001277115.2 (MANE Select); coding-DNA position 5692, G replaced by A.
Protein change: p.Gly1898Arg; replaces glycine 1898 with arginine.
Molecular consequence: missense variant.
Genome position (GRCh38, 1-based): chr7:21,687,169, G>A. VCF-style: chr7-21687169-G-A. GRCh37 (hg19) VCF-style: chr7-21726787-G-A.
Other names: NM_001277115.2(DNAH11):c.5692G>A; p.Gly1898Arg; c.5713G>A, p.Gly1905Arg (NM_003777.3); short protein forms G1905R, G1898R.
Identifiers: ClinVar variation 1749090 (VCV001749090.6), dbSNP rs767246053, ClinGen allele CA155116260.

ClinVar aggregate classification (germline): Conflicting classifications of pathogenicity. Review status: criteria provided, conflicting classifications (1 of 4 stars). 3 submissions from 3 submitters: Uncertain significance (2); Likely benign (1). Last evaluated 2025-02-14.

Conditions:
Primary ciliary dyskinesia. Also called: Ciliary dyskinesia. Identifiers: Orphanet 244, MedGen C0008780, MONDO:0016575, HP:0012265.
Primary ciliary dyskinesia 7. Also called: CILIARY DYSKINESIA, PRIMARY, 7, WITH OR WITHOUT SITUS INVERSUS. Identifiers: Orphanet 244, MedGen C2678473, MONDO:0012748, OMIM 611884.

gnomAD v4.1: 12 of 1,612,756 alleles (0.00074%); highest among the groups gnomAD compares: South Asian, 0.0055%; no homozygotes.

Submissions (3):

Broad Center for Mendelian Genomics, Broad Institute of MIT and Harvard
Classification: Uncertain significance for Primary ciliary dyskinesia 7. Last evaluated: 2025-02-14. Review status: criteria provided, single submitter. Criteria: ACMG Guidelines, 2015. Collection method: curation. Allele origin: germline. Inheritance: Autosomal recessive inheritance.
Comment: The p.Gly1898Arg variant in DNAH11 has been reported in 1 individual with primary ciliary dyskinesia (PMID: 31772028), and has been identified in 0.006% (5/90812) of South Asian chromosomes by the Genome Aggregation Database (gnomAD; dbSNP rs767246053). Although this variant has been seen in the general population in a heterozygous state, its frequency is low enough to be consistent with a recessive carrier frequency. This variant has also been reported in ClinVar (Variation ID: 1749090) and has been interpreted as a variant of uncertain significance by Ambry Genetics. Computational prediction tools and conservation analyses suggest that this variant may impact the protein, though this information is not predictive enough to determine pathogenicity. In summary, the clinical significance of the p.Gly1898Arg variant is uncertain. ACMG/AMP Criteria applied: PP3, PM2_supporting (Richards 2015).

Labcorp Genetics (formerly Invitae), Labcorp
Classification: Likely benign for Primary ciliary dyskinesia. Last evaluated: 2024-10-22. Review status: criteria provided, single submitter. Criteria: Invitae Variant Classification Sherloc (09022015). Collection method: clinical testing. Allele origin: germline.

Ambry Genetics
Classification: Uncertain significance for Primary ciliary dyskinesia. Last evaluated: 2021-12-13. Review status: criteria provided, single submitter. Criteria: Ambry Variant Classification Scheme 2023. Collection method: clinical testing. Allele origin: germline.
Comment: The p.G1898R variant (also known as c.5692G>A), located in coding exon 33 of the DNAH11 gene, results from a G to A substitution at nucleotide position 5692. The glycine at codon 1898 is replaced by arginine, an amino acid with dissimilar properties. This variant was identified in one individual with primary ciliary dyskinesia in conjunction with another DNAH11 missense variant; however, phase information was not provided (Blanchon S et al. J Med Genet, 2020 04;57:237-244). This amino acid position is highly conserved in available vertebrate species. In addition, this alteration is predicted to be deleterious by in silico analysis. Since supporting evidence is limited at this time, the clinical significance of this alteration remains unclear.

Literature cited by the submitters: PubMed 31772028 (cited by Ambry Genetics).